The following is an entry in ClinVar:

ClinVar aggregate classification (germline): Likely benign. Review status: reviewed by expert panel (3 of 4 stars). 8 submissions from 8 submitters: Likely benign (1). 7 of the submissions do not count toward it. Last evaluated 2025-05-20.

Conditions:
Inborn genetic diseases. Identifiers: MedGen C0950123, MeSH D030342.
Cerebral creatine deficiency syndrome. Also called: Creatine deficiency syndromes. Identifiers: Orphanet 79172, MedGen C5244016, MONDO:0000456.
Deficiency of guanidinoacetate methyltransferase (CCDS2). Also called: CEREBRAL CREATINE DEFICIENCY SYNDROME 2; GAMT DEFICIENCY; Guanidinoacetate Methyltransferase (GAMT) Deficiency. Identifiers: Orphanet 382, MedGen C0574080, MONDO:0012999, OMIM 612736.

Allele frequency attached by ClinVar (database versions not stated): TOPMed below 0.00001; gnomAD 0.00001 and 0.00002; gnomAD exomes 0.00002; ExAC 0.00007; 1000 Genomes Project 30x 0.00016; 1000 Genomes Project 0.00020.
gnomAD v4.1: 34 of 1,607,056 alleles (0.0021%); highest among the groups gnomAD compares: Middle Eastern, 0.05%; no homozygotes.

Submissions (8):

ClinGen Cerebral Creatine Deficiency Syndromes Variant Curation Expert Panel, ClinGen
Classification: Likely benign for Deficiency of guanidinoacetate methyltransferase. Last evaluated: 2025-05-20. Review status: reviewed by expert panel. Criteria: ClinGen CCDS ACMG Specifications GAMT V2.0.0. Collection method: curation. Allele origin: germline. Inheritance: Autosomal recessive inheritance.
Comment: The NM_000156.6:c.189G>C (p.Arg63=) variant in GAMT is a synonymous (silent) variant that is not predicted by SpliceAI to impact splicing. In addition, it occurs at a nucleotide that is not conserved as shown by phyloP (score -1.308) (BP4, BP7). To our knowledge, this variant has not been reported among individuals with GAMT deficiency and results of functional studies are unavailable. The highest population minor allele frequency in gnomAD v4.1.0 is 0.0004955 (3/6054) in the Middle Eastern population. This is higher than the ClinGen CCDS VCEP's threshold for PM2_Supporting (<0.0004), and lower than the threshold for BS1 (>0.001). Therefore, no population criteria are met. There is a ClinVar entry for this variant (Variation ID: 288963). In summary, this variant meets the criteria to be classified as likely benign for GAMT deficiency based on the ACMG/AMP criteria applied, as specified by the ClinGen Cerebral Creatine Deficiency Syndromes Variant Curation Expert Panel (Specifications Version 2.0.0): BP4, BP7. (Classification approved by the ClinGen Cerebral Creatine Deficiency Syndromes Variant Curation Expert Panel on May 20, 2025).

Labcorp Genetics (formerly Invitae), Labcorp
Classification: Likely benign for Cerebral creatine deficiency syndrome. Last evaluated: 2026-01-26. Review status: criteria provided, single submitter. Criteria: Invitae Variant Classification Sherloc (09022015). Collection method: clinical testing. Allele origin: germline. Not counted in ClinVar's aggregate classification.

CeGaT Center for Human Genetics Tuebingen
Classification: Likely benign. Last evaluated: 2024-07-01. Review status: criteria provided, single submitter. Criteria: CeGaT Center For Human Genetics Tuebingen Variant Classification Criteria Version 2. Collection method: clinical testing. Allele origin: germline. Affected: yes. Observed: 2 variant alleles. Not counted in ClinVar's aggregate classification.
Comment: GAMT: BP4, BP7

Blueprint Genetics
Classification: Likely benign. Last evaluated: 2024-06-27. Review status: criteria provided, single submitter. Criteria: ACMG Guidelines, 2015. Collection method: clinical testing. Allele origin: germline. Not counted in ClinVar's aggregate classification.

Illumina Laboratory Services, Illumina
Classification: Uncertain significance for Deficiency of guanidinoacetate methyltransferase. Last evaluated: 2018-01-13. Review status: criteria provided, single submitter. Criteria: ICSL Variant Classification Criteria 13 December 2019. Collection method: clinical testing. Allele origin: germline. Not counted in ClinVar's aggregate classification.

GeneDx
Classification: Likely benign. Last evaluated: 2017-12-27. Review status: criteria provided, single submitter. Criteria: GeneDx Variant Classification (06012015). Collection method: clinical testing. Allele origin: germline. Affected: yes. Not counted in ClinVar's aggregate classification.
Comment: This variant is considered likely benign or benign based on one or more of the following criteria: it is a conservative change, it occurs at a poorly conserved position in the protein, it is predicted to be benign by multiple in silico algorithms, and/or has population frequency not consistent with disease.

Ambry Genetics
Classification: Likely benign for Inborn genetic diseases. Last evaluated: 2016-12-23. Review status: criteria provided, single submitter. Criteria: Ambry Variant Classification Scheme 2023. Collection method: clinical testing. Allele origin: germline. Not counted in ClinVar's aggregate classification.

Eurofins Ntd Llc (ga)
Classification: Uncertain significance. Last evaluated: 2016-07-15. Review status: criteria provided, single submitter. Criteria: EGL Classification Definitions 2015. Collection method: clinical testing. Allele origin: germline. Observed: 1 variant allele, 1 heterozygote. Not counted in ClinVar's aggregate classification.

NM_000156.6(GAMT):c.189G>C (p.Arg63=)

Gene: GAMT (guanidinoacetate N-methyltransferase; minus strand). Cytogenetic location: 19p13.3.
Variant type: single nucleotide variant.
Coding change: c.189G>C on transcript NM_000156.6 (MANE Select); coding-DNA position 189, G replaced by C.
Protein change: p.Arg63=; no amino-acid change (arginine 63 retained).
Molecular consequence: synonymous variant.
Genome position (GRCh38, 1-based): chr19:1,399,931, C>G on the plus strand (G>C on the coding strand, the complement: GAMT is on the minus strand). VCF-style: chr19-1399931-C-G. GRCh37 (hg19) VCF-style: chr19-1399930-C-G.
Other names: NM_000156.6(GAMT):c.189G>C; p.Arg63=; c.189G>C, p.Arg63= (NM_138924.3).
Identifiers: ClinVar variation 288963 (VCV000288963.49), dbSNP rs568392459, ClinGen allele CA9043767.